The following is an entry in ClinVar:

ClinVar aggregate classification (germline): Uncertain significance. Review status: criteria provided, multiple submitters, no conflicts (2 of 4 stars). 2 submissions from 2 submitters: Uncertain significance (2). Last evaluated 2026-07-07.

Conditions:
EP300-related disorder. Also called: EP300-related condition; EP300-related disorders.

gnomAD v4.1: 3 of 1,613,096 alleles (0.00019%); highest among the groups gnomAD compares: Admixed American, 0.005%; no homozygotes.

Submissions (2):

PreventionGenetics, part of Exact Sciences
Classification: Uncertain significance for EP300-related condition. Last evaluated: 2026-07-07. Review status: criteria provided, single submitter. Criteria: ACMG Guidelines, 2015. Collection method: clinical testing. Allele origin: germline.
Comment: The EP300 c.2292C>G variant is predicted to result in the amino acid substitution p.Phe764Leu. To our knowledge, this variant has not been reported in the literature or in a large population database (gnomAD), indicating this variant is rare. At this time, the clinical significance of this variant is uncertain due to the absence of conclusive functional and genetic evidence.

Dasa
Classification: Uncertain significance. Last evaluated: 2026-04-15. Review status: criteria provided, single submitter. Criteria: DASA Assertion Criteria. Collection method: clinical testing. Allele origin: germline.
Comment: NM_001429.4(EP300):c.2292C>G (p.Phe764Leu) is a missense variant that results in the substitution of phenylalanine with leucine. This variant is rare in population databases. The currently available literature and clinical evidence are not sufficient to establish a definitive association between this variant and the reported condition. Therefore, this variant is classified as a variant of uncertain significance.

NM_001429.4(EP300):c.2292C>G (p.Phe764Leu)

Gene: EP300 (EP300 lysine acetyltransferase; plus strand). Cytogenetic location: 22q13.2.
Variant type: single nucleotide variant.
Coding change: c.2292C>G on transcript NM_001429.4 (MANE Select); coding-DNA position 2292, C replaced by G.
Protein change: p.Phe764Leu; replaces phenylalanine 764 with leucine.
Molecular consequence: missense variant.
Genome position (GRCh38, 1-based): chr22:41,149,088, C>G. VCF-style: chr22-41149088-C-G. GRCh37 (hg19) VCF-style: chr22-41545092-C-G.
Other names: c.2214C>G, p.Phe738Leu (NM_001362843.2); short protein forms F738L, F764L.
Identifiers: ClinVar variation 3349824 (VCV003349824.4).